The following is an entry in ClinVar:

NM_001379500.1(COL18A1):c.107-12343C>A

Gene: COL18A1 (collagen type XVIII alpha 1 chain; plus strand). Cytogenetic location: 21q22.3.
Variant type: single nucleotide variant.
Coding change: c.107-12343C>A on transcript NM_001379500.1 (MANE Select); 12343 bases into the intron before coding-DNA position 107, C replaced by A.
Molecular consequence: intron variant. On other transcripts: missense variant (2).
Genome position (GRCh38, 1-based): chr21:45,455,899, C>A. VCF-style: chr21-45455899-C-A. GRCh37 (hg19) VCF-style: chr21-46875813-C-A.
Other names: c.369C>A, p.Ser123Arg (NM_030582.4, NM_130444.3); short protein forms S123R.
Identifiers: ClinVar variation 1391347 (VCV001391347.6), dbSNP rs2145852023, ClinGen allele CA410505806.
Genomic context (GRCh38, chr21:45,455,899, plus strand): 5'-AGAGGAGAACATTGCCGGTGTCGGAGCCGAGATCCTGAACGTGGCCAAAGGCATCCGGAG[C>A]TTCGTCCAGCTGTGGAATGACACTGTCCCCACTGAGAGCTTGGCCAGGGCGGAAACCCTG-3'

ClinVar aggregate classification (germline): Uncertain significance (1 of 4 stars; one submission).

Submission:

Labcorp Genetics (formerly Invitae), Labcorp
Classification: Uncertain significance. Last evaluated: 2021-11-05. Review status: criteria provided, single submitter. Criteria: Invitae Variant Classification Sherloc (09022015). Collection method: clinical testing. Allele origin: germline.
Comment: In summary, the available evidence is currently insufficient to determine the role of this variant in disease. Therefore, it has been classified as a Variant of Uncertain Significance. Experimental studies and prediction algorithms are not available or were not evaluated, and the functional significance of this variant is currently unknown. This variant has not been reported in the literature in individuals affected with COL18A1-related conditions. This variant is not present in population databases (gnomAD no frequency). This sequence change replaces serine, which is neutral and polar, with arginine, which is basic and polar, at codon 123 of the COL18A1 protein (p.Ser123Arg). The COL18A1 gene has multiple clinically relevant transcripts. This variant occurs in alternate transcript NM_030582.3, and corresponds to NM_130445.2:c.107-12343C>A in the primary transcript.